The following is an entry in ClinVar:

ClinVar aggregate classification (germline): Uncertain significance (1 of 4 stars; one submission).

Conditions:
Cardiovascular phenotype. Identifiers: MedGen CN230736.

Submission:

Ambry Genetics
Classification: Uncertain significance for Cardiovascular phenotype. Last evaluated: 2026-05-20. Review status: criteria provided, single submitter. Criteria: Ambry Variant Classification Scheme 2023. Collection method: clinical testing. Allele origin: germline.
Comment: The p.D374H variant (also known as c.1120G>C), located in coding exon 11 of the CASQ2 gene, results from a G to C substitution at nucleotide position 1120. The aspartic acid at codon 374 is replaced by histidine, an amino acid with similar properties. This amino acid position is conserved. In addition, this alteration is predicted to be tolerated by in silico analysis. Based on the available evidence, the clinical significance of this variant remains unclear.

NM_001232.4(CASQ2):c.1120G>C (p.Asp374His)

Gene: CASQ2 (calsequestrin 2; minus strand). Cytogenetic location: 1p13.1.
Variant type: single nucleotide variant.
Coding change: c.1120G>C on transcript NM_001232.4 (MANE Select); coding-DNA position 1120, G replaced by C.
Protein change: p.Asp374His; replaces aspartic acid 374 with histidine.
Molecular consequence: missense variant.
Genome position (GRCh38, 1-based): chr1:115,701,321, C>G on the plus strand (G>C on the coding strand, the complement: CASQ2 is on the minus strand). VCF-style: chr1-115701321-C-G. GRCh37 (hg19) VCF-style: chr1-116243942-C-G.
Other names: short protein forms D374H.
Identifiers: ClinVar variation 4868169 (VCV004868169.1).